The following is an entry in ClinVar:

NM_012388.4(BLOC1S6):c.14G>A (p.Gly5Glu)

Gene: BLOC1S6 (biogenesis of lysosomal organelles complex 1 subunit 6; plus strand). Cytogenetic location: 15q21.1.
Variant type: single nucleotide variant.
Coding change: c.14G>A on transcript NM_012388.4 (MANE Select); coding-DNA position 14, G replaced by A.
Protein change: p.Gly5Glu; replaces glycine 5 with glutamic acid.
Molecular consequence: missense variant. On other transcripts: non-coding transcript variant (5).
Genome position (GRCh38, 1-based): chr15:45,587,457, G>A. VCF-style: chr15-45587457-G-A. GRCh37 (hg19) VCF-style: chr15-45879655-G-A.
Other names: short protein forms G5E.
Identifiers: ClinVar variation 1371603 (VCV001371603.8), dbSNP rs756977799, ClinGen allele CA392297140.

ClinVar aggregate classification (germline): Uncertain significance (1 of 4 stars; one submission).

Conditions:
Hermansky-Pudlak syndrome 9 (HPS9). Identifiers: Orphanet 280663, Orphanet 79430, MedGen C3280026, MONDO:0013606, OMIM 614171.

Submission:

Labcorp Genetics (formerly Invitae), Labcorp
Classification: Uncertain significance for Hermansky-Pudlak syndrome 9. Last evaluated: 2021-05-12. Review status: criteria provided, single submitter. Criteria: Invitae Variant Classification Sherloc (09022015). Collection method: clinical testing. Allele origin: germline.
Comment: This sequence change replaces glycine with glutamic acid at codon 5 of the BLOC1S6 protein (p.Gly5Glu). The glycine residue is moderately conserved and there is a moderate physicochemical difference between glycine and glutamic acid. This variant is not present in population databases (ExAC no frequency). This variant has not been reported in the literature in individuals with BLOC1S6-related conditions. Algorithms developed to predict the effect of missense changes on protein structure and function output the following: SIFT: "Tolerated"; PolyPhen-2: "Benign"; Align-GVGD: "Class C0". The glutamic acid amino acid residue is found in multiple mammalian species, suggesting that this missense change does not adversely affect protein function. These predictions have not been confirmed by published functional studies and their clinical significance is uncertain. In summary, the available evidence is currently insufficient to determine the role of this variant in disease. Therefore, it has been classified as a Variant of Uncertain Significance.